The following is an entry in ClinVar:

NM_152564.5(VPS13B):c.11542G>A (p.Asp3848Asn)

Gene: VPS13B (vacuolar protein sorting 13 homolog B; plus strand). Cytogenetic location: 8q22.2.
Variant type: single nucleotide variant.
Coding change: c.11542G>A on transcript NM_152564.5 (MANE Select); coding-DNA position 11542, G replaced by A.
Protein change: p.Asp3848Asn; replaces aspartic acid 3848 with asparagine.
Molecular consequence: missense variant.
Genome position (GRCh38, 1-based): chr8:99,871,494, G>A. VCF-style: chr8-99871494-G-A. GRCh37 (hg19) VCF-style: chr8-100883722-G-A.
Other names: c.11617G>A, p.Asp3873Asn (NM_017890.5); short protein forms D3873N, D3848N.
Identifiers: ClinVar variation 1428586 (VCV001428586.3), dbSNP rs558917637, ClinGen allele CA371794117.

ClinVar aggregate classification (germline): Uncertain significance (1 of 4 stars; one submission).

Conditions:
Cohen syndrome (COH1). Also called: Cutis verticis gyrata, retinitis pigmentosa, and sensorineural deafness; PEPPER SYNDROME. Identifiers: Orphanet 193, MedGen C0265223, MONDO:0008999, OMIM 216550.

gnomAD v4.1: 1 of 1,614,232 alleles (0.000062%); highest among the groups gnomAD compares: Non-Finnish European, 0.000085%; no homozygotes.

Submission:

Labcorp Genetics (formerly Invitae), Labcorp
Classification: Uncertain significance for Cohen syndrome. Last evaluated: 2021-12-02. Review status: criteria provided, single submitter. Criteria: Invitae Variant Classification Sherloc (09022015). Collection method: clinical testing. Allele origin: germline.
Comment: This sequence change replaces aspartic acid, which is acidic and polar, with asparagine, which is neutral and polar, at codon 3873 of the VPS13B protein (p.Asp3873Asn). This variant is not present in population databases (gnomAD no frequency). This variant has not been reported in the literature in individuals affected with VPS13B-related conditions. Algorithms developed to predict the effect of missense changes on protein structure and function are either unavailable or do not agree on the potential impact of this missense change (SIFT: "Not Available"; PolyPhen-2: "Possibly Damaging"; Align-GVGD: "Not Available"). In summary, the available evidence is currently insufficient to determine the role of this variant in disease. Therefore, it has been classified as a Variant of Uncertain Significance.